The following is an entry in ClinVar:

ClinVar aggregate classification (germline): Uncertain significance. Review status: criteria provided, multiple submitters, no conflicts (2 of 4 stars). 2 submissions from 2 submitters: Uncertain significance (2). Last evaluated 2023-12-04.

Conditions:
ZTTK syndrome (ZTTKS). Also called: ZTTK MULTIPLE CONGENITAL ANOMALIES-MENTAL RETARDATION SYNDROME; Zhu-Tokita-Takenouchi-Kim Syndrome. Identifiers: Orphanet 500150, MedGen C4310696, MONDO:0014936, OMIM 617140.

Submissions (2):

Greenwood Genetic Center Diagnostic Laboratories, Greenwood Genetic Center
Classification: Uncertain significance. Last evaluated: 2023-12-04. Review status: criteria provided, single submitter. Criteria: ACMG Guidelines, 2015. Collection method: clinical testing. Allele origin: germline. Affected: yes.
Comment: PM2

Baylor Genetics
Classification: Uncertain significance for ZTTK syndrome. Last evaluated: 2018-04-09. Review status: criteria provided, single submitter. Criteria: ACMG Guidelines, 2015. Collection method: clinical testing. Allele origin: unknown. Affected: yes.
Comment: This variant was determined to be of uncertain significance according to ACMG Guidelines, 2015 [PMID:25741868].

NM_138927.4(SON):c.2449G>T (p.Ala817Ser)

Gene: SON (SON DNA and RNA binding protein; plus strand). Cytogenetic location: 21q22.11.
Variant type: single nucleotide variant.
Coding change: c.2449G>T on transcript NM_138927.4 (MANE Select); coding-DNA position 2449, G replaced by T.
Protein change: p.Ala817Ser; replaces alanine 817 with serine.
Molecular consequence: missense variant. On other transcripts: non-coding transcript variant (1), intron variant (1).
Genome position (GRCh38, 1-based): chr21:33,551,680, G>T. VCF-style: chr21-33551680-G-T. GRCh37 (hg19) VCF-style: chr21-34923986-G-T.
Other names: c.2449G>T, p.Ala817Ser (NM_001291411.2, NM_032195.3); c.2449G>T (NM_032195.2); c.244+5301G>T (NM_001291412.3); short protein forms A817S.
Identifiers: ClinVar variation 1032269 (VCV001032269.2), dbSNP rs2085793292, ClinGen allele CA410158014.